The following is an entry in ClinVar:

ClinVar aggregate classification (germline): Conflicting classifications of pathogenicity. Review status: criteria provided, conflicting classifications (1 of 4 stars). 4 submissions from 4 submitters: Likely pathogenic (1); Uncertain significance (3). Last evaluated 2023-08-30.

Conditions:
Mucopolysaccharidosis, MPS-IV-A (MPS4A). Also called: MPS IVA; Mucopolysaccharidosis Type IVA; Morquio syndrome A, mild; MORQUIO A DISEASE; mucopolysaccharidosis type 4A; Mucopolysaccharidosis type IV A. Identifiers: Orphanet 309297, Orphanet 582, MedGen C0086651, MONDO:0009659, OMIM 253000.

Allele frequency attached by ClinVar (database versions not stated): gnomAD 0.00001; TOPMed below 0.00001; gnomAD exomes below 0.00001.
gnomAD v4.1: 3 of 1,560,688 alleles (0.00019%); highest among the groups gnomAD compares: African/African-American, 0.0014%; no homozygotes.

Submissions (4):

Labcorp Genetics (formerly Invitae), Labcorp
Classification: Likely pathogenic for Mucopolysaccharidosis, MPS-IV-A. Last evaluated: 2023-08-30. Review status: criteria provided, single submitter. Criteria: Invitae Variant Classification Sherloc (09022015). Collection method: clinical testing. Allele origin: germline.
Comment: This sequence change replaces tryptophan, which is neutral and slightly polar, with arginine, which is basic and polar, at codon 520 of the GALNS protein (p.Trp520Arg). This variant is not present in population databases (gnomAD no frequency). This missense change has been observed in individual(s) with mucopolysaccharidosis type IVA (PMID: 34387910, 34472180). It has also been observed to segregate with disease in related individuals. ClinVar contains an entry for this variant (Variation ID: 93170). Advanced modeling of protein sequence and biophysical properties (such as structural, functional, and spatial information, amino acid conservation, physicochemical variation, residue mobility, and thermodynamic stability) performed at Invitae indicates that this missense variant is not expected to disrupt GALNS protein function. In summary, the currently available evidence indicates that the variant is pathogenic, but additional data are needed to prove that conclusively. Therefore, this variant has been classified as Likely Pathogenic.

Genome-Nilou Lab
Classification: Uncertain significance for Mucopolysaccharidosis, MPS-IV-A. Last evaluated: 2021-11-07. Review status: criteria provided, single submitter. Criteria: ACMG Guidelines, 2015. Collection method: clinical testing. Allele origin: germline. Affected: no.

Laboratory of Diagnosis and Therapy of Lysosomal Disorders, University of Padova
Classification: Uncertain significance for Mucopolysaccharidosis, MPS-IV-A. Last evaluated: 2021-02-01. Review status: criteria provided, single submitter. Criteria: ACMG Guidelines, 2015. Collection method: research. Allele origin: germline. Affected: yes.
Comment: Absent from gnomAD v2.1.1 (PM2_moderate); multiple lines of computational evidence support a deleterious effect on the gene (PP3_supporting)

Eurofins Ntd Llc (ga)
Classification: Uncertain significance. Last evaluated: 2013-06-17. Review status: criteria provided, single submitter. Criteria: EGL Classification Definitions 2015. Collection method: clinical testing. Allele origin: germline. Observed: 3 variant alleles, 2 heterozygotes, 1 homozygote.

Literature cited by the submitters: PubMed 34387910 (cited by Labcorp Genetics (formerly Invitae), Labcorp and Laboratory of Diagnosis and Therapy of Lysosomal Disorders, University of Padova); PubMed 34472180 (cited by Labcorp Genetics (formerly Invitae), Labcorp).

NM_000512.5(GALNS):c.1558T>C (p.Trp520Arg)

Gene: GALNS (galactosamine (N-acetyl)-6-sulfatase; minus strand). Cytogenetic location: 16q24.3.
Variant type: single nucleotide variant.
Coding change: c.1558T>C on transcript NM_000512.5 (MANE Select); coding-DNA position 1558, T replaced by C.
Protein change: p.Trp520Arg; replaces tryptophan 520 with arginine.
Molecular consequence: missense variant.
Genome position (GRCh38, 1-based): chr16:88,814,450, A>G on the plus strand (T>C on the coding strand, the complement: GALNS is on the minus strand). VCF-style: chr16-88814450-A-G. GRCh37 (hg19) VCF-style: chr16-88880858-A-G.
Other names: c.1003T>C, p.Trp335Arg (NM_001323543.2); c.1576T>C, p.Trp526Arg (NM_001323544.2); short protein forms W520R, W335R, W526R.
Identifiers: ClinVar variation 93170 (VCV000093170.15), dbSNP rs398123434, ClinGen allele CA221047.